The following is an entry in ClinVar:

ClinVar aggregate classification (germline): Uncertain significance (1 of 4 stars; one submission).

Allele frequency attached by ClinVar (database versions not stated): gnomAD 0.00001.
gnomAD v4.1: 3 of 1,363,254 alleles (0.00022%); highest among the groups gnomAD compares: Non-Finnish European, 0.0002%; no homozygotes.

Submission:

Labcorp Genetics (formerly Invitae), Labcorp
Classification: Uncertain significance. Last evaluated: 2022-06-17. Review status: criteria provided, single submitter. Criteria: Invitae Variant Classification Sherloc (09022015). Collection method: clinical testing. Allele origin: germline.
Comment: In summary, the available evidence is currently insufficient to determine the role of this variant in disease. Therefore, it has been classified as a Variant of Uncertain Significance. Algorithms developed to predict the effect of missense changes on protein structure and function are either unavailable or do not agree on the potential impact of this missense change (SIFT: "Deleterious"; PolyPhen-2: "Possibly Damaging"; Align-GVGD: "Class C0"). This variant has not been reported in the literature in individuals affected with SAMD11-related conditions. This variant is present in population databases (no rsID available, gnomAD 0.007%). This sequence change replaces proline, which is neutral and non-polar, with leucine, which is neutral and non-polar, at codon 295 of the SAMD11 protein (p.Pro295Leu).

NM_001385641.1(SAMD11):c.1373C>T (p.Pro458Leu)

Gene: SAMD11 (sterile alpha motif domain containing 11; plus strand). Cytogenetic location: 1p36.33.
Variant type: single nucleotide variant.
Coding change: c.1373C>T on transcript NM_001385641.1 (MANE Select); coding-DNA position 1373, C replaced by T.
Protein change: p.Pro458Leu; replaces proline 458 with leucine.
Molecular consequence: missense variant.
Genome position (GRCh38, 1-based): chr1:942,150, C>T. VCF-style: chr1-942150-C-T. GRCh37 (hg19) VCF-style: chr1-877530-C-T.
Other names: c.1376C>T, p.Pro459Leu (NM_001385640.1); c.884C>T, p.Pro295Leu (NM_152486.4); short protein forms P458L, P295L, P459L.
Identifiers: ClinVar variation 1941144 (VCV001941144.5), dbSNP rs1331902306, ClinGen allele CA337806155.